The following is an entry in ClinVar:

NM_014714.4(IFT140):c.378del (p.Leu127fs)

Genes: IFT140 (intraflagellar transport 140; minus strand), LOC105371046 (uncharacterized LOC105371046; plus strand). Cytogenetic location: 16p13.3.
Variant type: Deletion.
Coding change: c.378del on transcript NM_014714.4 (MANE Select); coding-DNA position 378, one base deleted (C; older notation c.378delC).
Protein change: p.Leu127fs; shifts the reading frame from leucine 127.
Molecular consequence: frameshift variant.
Genome position (GRCh38, 1-based): chr16:1,592,580, G deleted on the plus strand (C on the coding strand, the reverse complement: IFT140 is on the minus strand). VCF-style (leftmost placement, unchanged base first): chr16-1592579-AG-A. GRCh37 (hg19) VCF-style: chr16-1642580-AG-A.
Other names: short protein forms L127fs.
Identifiers: ClinVar variation 2840020 (VCV002840020.3), dbSNP rs2508077781, ClinGen allele CA2739269845.

ClinVar aggregate classification (germline): Pathogenic (1 of 4 stars; one submission).

Conditions:
Saldino-Mainzer syndrome (SRTD9). Also called: CONORENAL SYNDROME; Renal dysplasia, retinal pigmentary dystrophy, cerebellar ataxia and skeletal dysplasia; SHORT-RIB THORACIC DYSPLASIA 9 WITHOUT POLYDACTYLY; short-rib thoracic dysplasia 9 with or without polydactyly. Identifiers: Orphanet 140969, MedGen C1849437, MONDO:0009964, OMIM 266920.

Submission:

Labcorp Genetics (formerly Invitae), Labcorp
Classification: Pathogenic for Saldino-Mainzer syndrome. Last evaluated: 2025-04-17. Review status: criteria provided, single submitter. Criteria: Invitae Variant Classification Sherloc (09022015). Collection method: clinical testing. Allele origin: germline.
Comment: This sequence change creates a premature translational stop signal (p.Leu127Cysfs*18) in the IFT140 gene. It is expected to result in an absent or disrupted protein product. Loss-of-function variants in IFT140 are known to be pathogenic (PMID: 22503633, 23418020, 24009529, 26216056). This variant is not present in population databases (gnomAD no frequency). This variant has not been reported in the literature in individuals affected with IFT140-related conditions. ClinVar contains an entry for this variant (Variation ID: 2840020). For these reasons, this variant has been classified as Pathogenic.

Literature cited by the submitters: PubMed 22503633; PubMed 23418020; PubMed 24009529; PubMed 26216056.